The following is an entry in ClinVar:

ClinVar aggregate classification (germline): Pathogenic/Likely pathogenic. Review status: criteria provided, multiple submitters, no conflicts (2 of 4 stars). 3 submissions from 3 submitters: Pathogenic (1); Likely pathogenic (1). 1 of the submissions does not count toward it. Last evaluated 2022-10-31.

Conditions:
Hereditary persistence of fetal hemoglobin. Identifiers: MedGen C0019025, MONDO:0020989, OMIM 141749.
METHEMOGLOBINEMIA, BETA TYPE. Also called: Methemoglobinemia, beta-globin type. Identifiers: MedGen C1840779, OMIM 617971.
Malaria, susceptibility to. Identifiers: Orphanet 673, MedGen C1970028, MONDO:0021024, OMIM 611162.
alpha Thalassemia. Also called: Alpha thalassemia spectrum. Identifiers: Orphanet 846, MedGen C0002312, MONDO:0011399, OMIM 604131.
Dominant beta-thalassemia. Also called: Beta-thalassemia, dominant inclusion body type. Identifiers: Orphanet 231226, Orphanet 848, MedGen C1858990, MONDO:0011381, OMIM 603902.
Beta-thalassemia HBB/LCRB. Identifiers: MedGen CN322236, MONDO:0013517, OMIM 613985.
Erythrocytosis, familial, 6. Also called: ERYTHROCYTOSIS, BETA-GLOBIN TYPE; POLYCYTHEMIA, BETA-GLOBIN TYPE. Identifiers: MedGen C4693822, MONDO:0054801, OMIM 617980.
Hb SS disease (SCD). Also called: Hemoglobin SS; Sickle cell anemia; Sickle cell disease; HbS disease; Hemoglobin S Disease; Sickling disorder due to hemoglobin S. Identifiers: Orphanet 232, Orphanet 275752, MedGen C0002895, MONDO:0011382, OMIM 603903.
Heinz body anemia. Also called: Heinz body hemolytic anemia. Identifiers: Orphanet 178330, MedGen C0700299, MONDO:0007705, OMIM 140700, HP:0005511.
HEMOGLOBIN ROCKFORD.

Submissions (3):

ARUP Laboratories, Molecular Genetics and Genomics, ARUP Laboratories
Classification: Pathogenic. Last evaluated: 2022-10-31. Review status: criteria provided, single submitter. Criteria: ARUP Molecular Germline Variant Investigation Process 2021. Collection method: clinical testing. Allele origin: germline.
Comment: The Hb Loves Park variant (HBB: c.205C>T; p.Leu69Phe, also known as Leu68Phe when numbered from the mature protein, rs33961459, HbVar ID: 375) is reported in the literature in the heterozygous state in multiple individuals affected with microcytic anemia and in one individual with mild cyanosis (Ferreira 2006, HbVar database and references therein). In one instance, this variant was observed in an affected proband but was not found in either parent despite demonstrated parentage, indicating a de novo origin (Ferreira 2006). This variant has been reported as stable with decreased oxygen affinity. This variant is reported in ClinVar (Variation ID: 15613) and is absent from the Genome Aggregation Database, indicating it is not a common polymorphism. The leucine at codon 69 is highly conserved, and computational analyses predict that this variant is deleterious (REVEL: 0.742). Additionally, another amino acid substitution at this codon (p.Leu69Pro, also known as Hb Mizuho, HbVar ID: 373) has been reported de novo in multiple individuals with hemolytic anemia and is considered disease-causing (HbVar database and references therein). Based on available information, the Hb Loves Park variant is considered to be pathogenic. References: Link to HbVar: Ferreira C et al. Hemoglobin Loves Park (beta68 (E12) Leu-->Phe): report of five cases including one originating from a de novo mutation. Am J Hematol. 2006 Apr;81(4):256-61. PMID: 16550507.

Fulgent Genetics
Classification: Likely pathogenic for Heinz body anemia; Hereditary persistence of fetal hemoglobin; Dominant beta-thalassemia; Hb SS disease; alpha Thalassemia; Malaria, susceptibility to; Beta-thalassemia HBB/LCRB; METHEMOGLOBINEMIA, BETA TYPE; Erythrocytosis, familial, 6. Last evaluated: 2021-07-06. Review status: criteria provided, single submitter. Criteria: ACMG Guidelines, 2015. Collection method: clinical testing. Allele origin: unknown.

OMIM
Classification: other for HEMOGLOBIN ROCKFORD. Last evaluated: 2017-12-12. Review status: no assertion criteria provided. Collection method: literature only. Allele origin: germline. Not counted in ClinVar's aggregate classification.

Literature cited by the submitters: Perrault, J., Fairbanks, V. F., McCormick, D. J., Kubik, K., Madden, B. J., Holmes, M. W., Hoyer, J. D. Hemoglobin Rockford, beta68(E12)leu-to-phe: a new HB variant associated with mild anemia. (Abstract) Blood 90 (Suppl. 1): 30b, 1997. (cited by OMIM); PubMed 15470216 (cited by OMIM).

NM_000518.5(HBB):c.205C>T (p.Leu69Phe)

Genes: HBB (hemoglobin subunit beta; minus strand), LOC106099062 (HBB recombination region; plus strand), LOC107133510 (origin of replication at HBB; plus strand). Cytogenetic location: 11p15.4.
Variant type: single nucleotide variant.
Coding change: c.205C>T on transcript NM_000518.5 (MANE Select); coding-DNA position 205, C replaced by T.
Protein change: p.Leu69Phe; replaces leucine 69 with phenylalanine.
Molecular consequence: missense variant.
Genome position (GRCh38, 1-based): chr11:5,226,687, G>A on the plus strand (C>T on the coding strand, the complement: HBB is on the minus strand). VCF-style: chr11-5226687-G-A. GRCh37 (hg19) VCF-style: chr11-5247917-G-A.
Other names: L68F; short protein forms L69F.
Identifiers: ClinVar variation 15613 (VCV000015613.14), dbSNP rs33961459, ClinGen allele CA125530.
Genomic context (GRCh38, chr11:5,226,687, plus strand): 5'-GTGTGGCAAAGGTGCCCTTGAGGTTGTCCAGGTGAGCCAGGCCATCACTAAAGGCACCGA[G>A]CACTTTCTTGCCATGAGCCTTCACCTTAGGGTTGCCCATAACAGCATCAGGAGTGGACAG-3'
Protein context (NP_000509.1, residues 59-79): PKVKAHGKKV[Leu69Phe]GAFSDGLAHL